The following is an entry in ClinVar:

NM_000178.4(GSS):c.203T>C (p.Val68Ala)

Gene: GSS (glutathione synthetase; minus strand). Cytogenetic location: 20q11.22.
Variant type: single nucleotide variant.
Coding change: c.203T>C on transcript NM_000178.4 (MANE Select); coding-DNA position 203, T replaced by C.
Protein change: p.Val68Ala; replaces valine 68 with alanine.
Molecular consequence: missense variant.
Genome position (GRCh38, 1-based): chr20:34,946,025, A>G on the plus strand (T>C on the coding strand, the complement: GSS is on the minus strand). VCF-style: chr20-34946025-A-G. GRCh37 (hg19) VCF-style: chr20-33533828-A-G.
Other names: c.203T>C, p.Val68Ala (NM_001322494.1, NM_001322495.1); short protein forms V68A.
Identifiers: ClinVar variation 2452165 (VCV002452165.2), dbSNP rs747668115, ClinGen allele CA9826154.

ClinVar aggregate classification (germline): Uncertain significance (1 of 4 stars; one submission).

Conditions:
Inborn genetic diseases. Identifiers: MedGen C0950123, MeSH D030342.

Allele frequency attached by ClinVar (database versions not stated): gnomAD exomes below 0.00001; ExAC 0.00002.

Submission:

Ambry Genetics
Classification: Uncertain significance for Inborn genetic diseases. Last evaluated: 2022-11-19. Review status: criteria provided, single submitter. Criteria: Ambry Variant Classification Scheme 2023. Collection method: clinical testing. Allele origin: germline.
Comment: The p.V68A variant (also known as c.203T>C), located in coding exon 2 of the GSS gene, results from a T to C substitution at nucleotide position 203. The valine at codon 68 is replaced by alanine, an amino acid with similar properties. This amino acid position is conserved. In addition, the in silico prediction for this alteration is inconclusive. Since supporting evidence is limited at this time, the clinical significance of this alteration remains unclear.